The following is an entry in ClinVar:

ClinVar aggregate classification (germline): Conflicting classifications of pathogenicity. Review status: criteria provided, conflicting classifications (1 of 4 stars). 2 submissions from 2 submitters: Likely pathogenic (1); Uncertain significance (1). Last evaluated 2024-04-04.

Conditions:
Charcot-Marie-Tooth disease axonal type 2O. Also called: Charcot-Marie-Tooth disease, axonal, type 20; CHARCOT-MARIE-TOOTH NEUROPATHY, AXONAL, TYPE 2O; CHARCOT-MARIE-TOOTH DISEASE, AXONAL, AUTOSOMAL DOMINANT, TYPE 2O; Charcot-Marie-Tooth Neuropathy Type 2O. Identifiers: Orphanet 284232, MedGen C3280220, MONDO:0013644, OMIM 614228.
Asphyxiating thoracic dystrophy 3. Also called: Short rib polydactyly syndrome 2B; SHORT-RIB THORACIC DYSPLASIA 3/6 WITH POLYDACTYLY, DIGENIC; SHORT-RIB THORACIC DYSPLASIA 3 WITH OR WITHOUT POLYDACTYLY; POLYDACTYLY WITH NEONATAL CHONDRODYSTROPHY, TYPE I; Saldino-Noonan Syndrome. Identifiers: Orphanet 474, Orphanet 93269, Orphanet 93270, Orphanet 93271, MedGen C0036069, MONDO:0013127, OMIM 613091.

Allele frequency attached by ClinVar (database versions not stated): gnomAD exomes below 0.00001; ExAC 0.00001; gnomAD 0.00001; TOPMed 0.00001.
gnomAD v4.1: 2 of 1,613,462 alleles (0.00012%); highest among the groups gnomAD compares: Non-Finnish European, 0.00017%; no homozygotes.

Submissions (2):

Genomic Medicine Center of Excellence, King Faisal Specialist Hospital and Research Centre
Classification: Likely pathogenic for Asphyxiating thoracic dystrophy 3. Last evaluated: 2024-04-04. Review status: criteria provided, single submitter. Criteria: ACMG Guidelines, 2015. Collection method: clinical testing. Allele origin: germline.

Labcorp Genetics (formerly Invitae), Labcorp
Classification: Uncertain significance for Charcot-Marie-Tooth disease axonal type 2O. Last evaluated: 2022-09-15. Review status: criteria provided, single submitter. Criteria: Invitae Variant Classification Sherloc (09022015). Collection method: clinical testing. Allele origin: germline.
Comment: Advanced modeling of protein sequence and biophysical properties (such as structural, functional, and spatial information, amino acid conservation, physicochemical variation, residue mobility, and thermodynamic stability) performed at Invitae indicates that this missense variant is not expected to disrupt DYNC1H1 protein function. This sequence change replaces valine, which is neutral and non-polar, with isoleucine, which is neutral and non-polar, at codon 2070 of the DYNC1H1 protein (p.Val2070Ile). This variant is present in population databases (rs751769427, gnomAD 0.0009%). This variant has not been reported in the literature in individuals affected with DYNC1H1-related conditions. In summary, the available evidence is currently insufficient to determine the role of this variant in disease. Therefore, it has been classified as a Variant of Uncertain Significance.

NM_001376.5(DYNC1H1):c.6208G>A (p.Val2070Ile)

Gene: DYNC1H1 (dynein cytoplasmic 1 heavy chain 1; plus strand). Cytogenetic location: 14q32.31.
Variant type: single nucleotide variant.
Coding change: c.6208G>A on transcript NM_001376.5 (MANE Select); coding-DNA position 6208, G replaced by A.
Protein change: p.Val2070Ile; replaces valine 2070 with isoleucine.
Molecular consequence: missense variant.
Genome position (GRCh38, 1-based): chr14:102,010,073, G>A. VCF-style: chr14-102010073-G-A. GRCh37 (hg19) VCF-style: chr14-102476410-G-A.
Other names: short protein forms V2070I.
Identifiers: ClinVar variation 2187040 (VCV002187040.5), dbSNP rs751769427, ClinGen allele CA7352560.